The following is an entry in ClinVar:

ClinVar aggregate classification (germline): Likely pathogenic (1 of 4 stars; one submission).

Conditions:
Charcot-Marie-Tooth disease type 2. Also called: Charcot-Marie-Tooth type 2. Identifiers: Orphanet 64746, MedGen C0270914, MONDO:0018993.

Allele frequency attached by ClinVar (database versions not stated): gnomAD exomes below 0.00001.
gnomAD v4.1: 1 of 1,614,014 alleles (0.000062%); highest among the groups gnomAD compares: Non-Finnish European, 0.000085%; no homozygotes.

Submission:

Labcorp Genetics (formerly Invitae), Labcorp
Classification: Likely pathogenic for Charcot-Marie-Tooth disease type 2. Last evaluated: 2023-06-30. Review status: criteria provided, single submitter. Criteria: Invitae Variant Classification Sherloc (09022015). Collection method: clinical testing. Allele origin: germline.
Comment: This sequence change affects a donor splice site in intron 12 of the MFN2 gene. It is expected to disrupt RNA splicing. Variants that disrupt the donor or acceptor splice site typically lead to a loss of protein function (PMID: 16199547), and loss-of-function variants in MFN2 are known to be pathogenic (PMID: 16714318, 16835246, 21715711, 23781337, 26955893). This variant is not present in population databases (gnomAD no frequency). In summary, the currently available evidence indicates that the variant is pathogenic, but additional data are needed to prove that conclusively. Therefore, this variant has been classified as Likely Pathogenic. Algorithms developed to predict the effect of sequence changes on RNA splicing suggest that this variant may disrupt the consensus splice site. ClinVar contains an entry for this variant (Variation ID: 957831). This variant has not been reported in the literature in individuals affected with MFN2-related conditions.

Literature cited by the submitters: PubMed 16199547; PubMed 16714318; PubMed 16835246; PubMed 21715711; PubMed 23781337; PubMed 26955893.

NM_014874.4(MFN2):c.1287+1G>C

Gene: MFN2 (mitofusin 2; plus strand). Cytogenetic location: 1p36.22.
Variant type: single nucleotide variant.
Coding change: c.1287+1G>C on transcript NM_014874.4 (MANE Select); the canonical splice donor site of the intron after coding-DNA position 1287, G replaced by C.
Molecular consequence: splice donor variant.
Genome position (GRCh38, 1-based): chr1:12,004,119, G>C. VCF-style: chr1-12004119-G-C. GRCh37 (hg19) VCF-style: chr1-12064176-G-C.
Other names: c.1287+1G>C (NM_001127660.2).
Identifiers: ClinVar variation 957831 (VCV000957831.8), dbSNP rs1639299226, ClinGen allele CA338445623.